The following is an entry in ClinVar:

NM_001008537.3(NEXMIF):c.2200A>G (p.Lys734Glu)

Gene: NEXMIF (neurite extension and migration factor; minus strand). Cytogenetic location: Xq13.3.
Variant type: single nucleotide variant.
Coding change: c.2200A>G on transcript NM_001008537.3 (MANE Select); coding-DNA position 2200, A replaced by G.
Protein change: p.Lys734Glu; replaces lysine 734 with glutamic acid.
Molecular consequence: missense variant.
Genome position (GRCh38, 1-based): chrX:74,742,357, T>C on the plus strand (A>G on the coding strand, the complement: NEXMIF is on the minus strand). VCF-style: chrX-74742357-T-C. GRCh37 (hg19) VCF-style: chrX-73962192-T-C.
Other names: c.2200A>G (NM_001008537.2); short protein forms K734E.
Identifiers: ClinVar variation 453179 (VCV000453179.4), dbSNP rs1556016518, ClinGen allele CA413668751.
Genomic context (GRCh38, chrX:74,742,357, plus strand): 5'-ATTGGTTTTCCAAGAGAGGGCTCATTTGAACAATTGGCTTGCTTTCTTGCCCAGCAGCTT[T>C]GACTTTCTTAGATTTTAACCTAGCTTCACTTTTAAATTTGATTTTATTGAGCACTTTCCT-3'
Protein context (NP_001008537.1, residues 724-744): SEARLKSKKV[Lys734Glu]AAGQESKPIV

ClinVar aggregate classification (germline): Uncertain significance. Review status: criteria provided, multiple submitters, no conflicts (2 of 4 stars). 3 submissions from 3 submitters: Uncertain significance (3). Last evaluated 2025-01-29.

Submissions (3):

Labcorp Genetics (formerly Invitae), Labcorp
Classification: Uncertain significance. Last evaluated: 2025-01-29. Review status: criteria provided, single submitter. Criteria: Invitae Variant Classification Sherloc (09022015). Collection method: clinical testing. Allele origin: germline.
Comment: This sequence change replaces lysine, which is basic and polar, with glutamic acid, which is acidic and polar, at codon 734 of the NEXMIF protein (p.Lys734Glu). This variant is not present in population databases (gnomAD no frequency). This variant has not been reported in the literature in individuals affected with NEXMIF-related conditions. ClinVar contains an entry for this variant (Variation ID: 453179). An algorithm developed to predict the effect of missense changes on protein structure and function (PolyPhen-2) suggests that this variant is likely to be disruptive. In summary, the available evidence is currently insufficient to determine the role of this variant in disease. Therefore, it has been classified as a Variant of Uncertain Significance.

Ambry Genetics
Classification: Uncertain significance. Last evaluated: 2025-01-18. Review status: criteria provided, single submitter. Criteria: Ambry Variant Classification Scheme 2023. Collection method: clinical testing. Allele origin: germline.

GeneDx
Classification: Uncertain significance. Last evaluated: 2017-11-07. Review status: criteria provided, single submitter. Criteria: GeneDx Variant Classification (06012015). Collection method: clinical testing. Allele origin: germline. Affected: yes.
Comment: The K734E variant has not been published as a pathogenic variant, nor has it been reported as a benign variant to our knowledge. The K734E variant is not observed in large population cohorts (Lek et al., 2016). The K734E variant is a non-conservative amino acid substitution, which is likely to impact secondary protein structure as these residues differ in polarity, charge, size and/or other properties. This substitution occurs at a position that is conserved across species, and in silico analysis predicts this variant is probably damaging to the protein structure/function. Based on the currently available information, it is unclear whether this variant is a pathogenic variant or a rare benign variant.